The following is an entry in ClinVar:

ClinVar aggregate classification (germline): Likely benign. Review status: criteria provided, multiple submitters, no conflicts (2 of 4 stars). 3 submissions from 3 submitters: Likely benign (2). 1 of the submissions does not count toward it. Last evaluated 2025-06-02.

Conditions:
SAMD9L-related disorder. Also called: SAMD9L-related disorders; SAMD9L-related condition.
Inborn genetic diseases. Identifiers: MedGen C0950123, MeSH D030342.

Allele frequency attached by ClinVar (database versions not stated): TOPMed 0.00001.
gnomAD v4.1: 8 of 1,613,716 alleles (0.0005%); highest among the groups gnomAD compares: South Asian, 0.0011%; no homozygotes.

Submissions (3):

Labcorp Genetics (formerly Invitae), Labcorp
Classification: Likely benign. Last evaluated: 2025-06-02. Review status: criteria provided, single submitter. Criteria: Invitae Variant Classification Sherloc (09022015). Collection method: clinical testing. Allele origin: germline.

Ambry Genetics
Classification: Likely benign for Inborn genetic diseases. Last evaluated: 2024-11-25. Review status: criteria provided, single submitter. Criteria: Ambry Variant Classification Scheme 2023. Collection method: clinical testing. Allele origin: germline.

PreventionGenetics, part of Exact Sciences
Classification: Likely benign for SAMD9L-related condition. Last evaluated: 2021-07-21. Review status: no assertion criteria provided. Collection method: clinical testing. Allele origin: germline. Not counted in ClinVar's aggregate classification.
Comment: This variant is classified as likely benign based on ACMG/AMP sequence variant interpretation guidelines (Richards et al. 2015 PMID: 25741868, with internal and published modifications).

NM_152703.5(SAMD9L):c.4599A>G (p.Leu1533=)

Gene: SAMD9L (sterile alpha motif domain containing 9 like; minus strand). Cytogenetic location: 7q21.2.
Variant type: single nucleotide variant.
Coding change: c.4599A>G on transcript NM_152703.5 (MANE Select); coding-DNA position 4599, A replaced by G.
Protein change: p.Leu1533=; no amino-acid change (leucine 1533 retained).
Molecular consequence: synonymous variant.
Genome position (GRCh38, 1-based): chr7:93,131,373, T>C on the plus strand (A>G on the coding strand, the complement: SAMD9L is on the minus strand). VCF-style: chr7-93131373-T-C. GRCh37 (hg19) VCF-style: chr7-92760686-T-C.
Other names: c.4599A>G (NM_152703.2, NM_152703.3); c.4599A>G, p.Leu1533= (NM_001303496.3, NM_001303497.3, NM_001303498.3 and 5 more transcripts).
Identifiers: ClinVar variation 1973346 (VCV001973346.8), dbSNP rs895948160, ClinGen allele CA161957971.